The following is an entry in ClinVar:

NM_024580.6(EFL1):c.903A>G (p.Ile301Met)

Genes: EFL1 (elongation factor like GTPase 1; minus strand), LOC129390726 (MPRA-validated peak2402 silencer; plus strand). Cytogenetic location: 15q25.2.
Variant type: single nucleotide variant.
Coding change: c.903A>G on transcript NM_024580.6 (MANE Select); coding-DNA position 903, A replaced by G.
Protein change: p.Ile301Met; replaces isoleucine 301 with methionine.
Molecular consequence: missense variant. On other transcripts: non-coding transcript variant (1).
Genome position (GRCh38, 1-based): chr15:82,229,063, T>C on the plus strand (A>G on the coding strand, the complement: EFL1 is on the minus strand). VCF-style: chr15-82229063-T-C. GRCh37 (hg19) VCF-style: chr15-82521404-T-C.
Other names: c.750A>G, p.Ile250Met (NM_001040610.3); c.114A>G, p.Ile38Met (NM_001322844.2); c.903A>G, p.Ile301Met (NM_001322845.2); short protein forms I250M, I301M, I38M.
Identifiers: ClinVar variation 1346406 (VCV001346406.5), dbSNP rs201623679, ClinGen allele CA273429194.

ClinVar aggregate classification (germline): Uncertain significance. Review status: criteria provided, multiple submitters, no conflicts (2 of 4 stars). 2 submissions from 2 submitters: Uncertain significance (2). Last evaluated 2024-04-05.

Allele frequency attached by ClinVar (database versions not stated): gnomAD 0.00001; gnomAD exomes 0.00001 and 0.00002; TOPMed 0.00002.
gnomAD v4.1: 32 of 1,612,154 alleles (0.002%); highest among the groups gnomAD compares: Non-Finnish European, 0.0026%; no homozygotes.

Submissions (2):

Blueprint Genetics
Classification: Uncertain significance. Last evaluated: 2024-04-05. Review status: criteria provided, single submitter. Criteria: ACMG Guidelines, 2015. Collection method: clinical testing. Allele origin: germline.

Labcorp Genetics (formerly Invitae), Labcorp
Classification: Uncertain significance. Last evaluated: 2023-08-24. Review status: criteria provided, single submitter. Criteria: Invitae Variant Classification Sherloc (09022015). Collection method: clinical testing. Allele origin: germline.
Comment: In summary, the available evidence is currently insufficient to determine the role of this variant in disease. Therefore, it has been classified as a Variant of Uncertain Significance. Advanced modeling of protein sequence and biophysical properties (such as structural, functional, and spatial information, amino acid conservation, physicochemical variation, residue mobility, and thermodynamic stability) has been performed at Invitae for this missense variant, however the output from this modeling did not meet the statistical confidence thresholds required to predict the impact of this variant on EFL1 protein function. ClinVar contains an entry for this variant (Variation ID: 1346406). This variant has not been reported in the literature in individuals affected with EFL1-related conditions. This variant is present in population databases (rs201623679, gnomAD 0.002%). This sequence change replaces isoleucine, which is neutral and non-polar, with methionine, which is neutral and non-polar, at codon 301 of the EFL1 protein (p.Ile301Met).